The following is an entry in ClinVar:

ClinVar aggregate classification (germline): Likely benign. Review status: criteria provided, multiple submitters, no conflicts (2 of 4 stars). 3 submissions from 3 submitters: Likely benign (2). 1 of the submissions does not count toward it. Last evaluated 2024-12-15.

Conditions:
Inborn genetic diseases. Identifiers: MedGen C0950123, MeSH D030342.
VAPB-related disorder. Also called: VAPB-related condition.
Amyotrophic lateral sclerosis type 8 (ALS8). Identifiers: Orphanet 803, MedGen C1837728, MONDO:0012077, OMIM 608627.
Adult-onset proximal spinal muscular atrophy, autosomal dominant. Also called: FINKEL LATE-ADULT TYPE SMA; Spinal muscular atrophy, late-onset, finkel type. Identifiers: Orphanet 209335, MedGen C1854058, MONDO:0008453, OMIM 182980.

Allele frequency attached by ClinVar (database versions not stated): gnomAD exomes 0.00003 and 0.00008; ExAC 0.00010; gnomAD 0.00011 and 0.00013; ESP Exome Variant Server 0.00015; TOPMed 0.00015; 1000 Genomes Project 30x 0.00062; 1000 Genomes Project 0.00080.
gnomAD v4.1: 73 of 1,614,136 alleles (0.0045%); highest among the groups gnomAD compares: African/African-American, 0.023%; no homozygotes.

Submissions (3):

Labcorp Genetics (formerly Invitae), Labcorp
Classification: Likely benign for Adult-onset proximal spinal muscular atrophy, autosomal dominant; Amyotrophic lateral sclerosis type 8. Last evaluated: 2024-12-15. Review status: criteria provided, single submitter. Criteria: Invitae Variant Classification Sherloc (09022015). Collection method: clinical testing. Allele origin: germline.

Ambry Genetics
Classification: Likely benign for Inborn genetic diseases. Last evaluated: 2019-07-11. Review status: criteria provided, single submitter. Criteria: Ambry Variant Classification Scheme 2023. Collection method: clinical testing. Allele origin: germline.

PreventionGenetics, part of Exact Sciences
Classification: Likely benign for VAPB-related condition. Last evaluated: 2023-06-16. Review status: no assertion criteria provided. Collection method: clinical testing. Allele origin: germline. Not counted in ClinVar's aggregate classification.
Comment: This variant is classified as likely benign based on ACMG/AMP sequence variant interpretation guidelines (Richards et al. 2015 PMID: 25741868, with internal and published modifications).

NM_004738.5(VAPB):c.174C>T (p.Ser58=)

Gene: VAPB (VAMP associated protein B and C; plus strand). Cytogenetic location: 20q13.32.
Variant type: single nucleotide variant.
Coding change: c.174C>T on transcript NM_004738.5 (MANE Select); coding-DNA position 174, C replaced by T.
Protein change: p.Ser58=; no amino-acid change (serine 58 retained).
Molecular consequence: synonymous variant. On other transcripts: non-coding transcript variant (1).
Genome position (GRCh38, 1-based): chr20:58,418,326, C>T. VCF-style: chr20-58418326-C-T. GRCh37 (hg19) VCF-style: chr20-56993382-C-T.
Other names: c.174C>T, p.Ser58= (NM_001195677.2).
Identifiers: ClinVar variation 534274 (VCV000534274.15), dbSNP rs139149560, ClinGen allele CA9924183.
Genomic context (GRCh38, chr20:58,418,326, plus strand): 5'-AAATGTGTGTTTTAAGGTGAAGACTACAGCACCACGTAGGTACTGTGTGAGGCCCAACAG[C>T]GGAATCATCGATGCAGGGGCCTCAATTAATGTATCTGGTAAGTCCTGAGACTGGAGGCCT-3'
Protein context (NP_004729.1, residues 48-68): APRRYCVRPN[Ser58=]GIIDAGASIN